The following is an entry in ClinVar:

ClinVar aggregate classification (germline): Uncertain significance (1 of 4 stars; one submission).

gnomAD v4.1: 13 of 1,546,660 alleles (0.00084%); highest among the groups gnomAD compares: South Asian, 0.0012%; no homozygotes.

Submission:

CeGaT Center for Human Genetics Tuebingen
Classification: Uncertain significance. Last evaluated: 2023-06-01. Review status: criteria provided, single submitter. Criteria: CeGaT Center For Human Genetics Tuebingen Variant Classification Criteria Version 2. Collection method: clinical testing. Allele origin: germline. Affected: yes. Observed: 1 variant allele.
Comment: EMILIN1: PM2, BP4

NM_007046.4(EMILIN1):c.937C>T (p.Arg313Cys)

Gene: EMILIN1 (elastin microfibril interfacer 1; plus strand). Cytogenetic location: 2p23.3.
Variant type: single nucleotide variant.
Coding change: c.937C>T on transcript NM_007046.4 (MANE Select); coding-DNA position 937, C replaced by T.
Protein change: p.Arg313Cys; replaces arginine 313 with cysteine.
Molecular consequence: missense variant.
Genome position (GRCh38, 1-based): chr2:27,082,508, C>T. VCF-style: chr2-27082508-C-T. GRCh37 (hg19) VCF-style: chr2-27305376-C-T.
Other names: short protein forms R313C.
Identifiers: ClinVar variation 2650760 (VCV002650760.24), dbSNP rs900975618, ClinGen allele CA44466905.
Genomic context (GRCh38, chr2:27,082,508, plus strand): 5'-CAGCTGGAGCAGCGGTTGCAGGAGTCCTGCTCCGTGTGCCTGGCCGGGCTAGATGGCTTC[C>T]GCCGGCAGCAGCAGGAGGACAGGGAGCGGCTGCGAGCGATGGAGAAGCTGCTGGCCTCGG-3'
Protein context (NP_008977.1, residues 303-323): SVCLAGLDGF[Arg313Cys]RQQQEDRERL